The following is an entry in ClinVar:

NM_001042492.3(NF1):c.1068G>A (p.Leu356=)

Gene: NF1 (neurofibromin 1; plus strand). Cytogenetic location: 17q11.2.
Variant type: single nucleotide variant.
Coding change: c.1068G>A on transcript NM_001042492.3 (MANE Select); coding-DNA position 1068, G replaced by A.
Protein change: p.Leu356=; no amino-acid change (leucine 356 retained).
Molecular consequence: synonymous variant.
Genome position (GRCh38, 1-based): chr17:31,201,042, G>A. VCF-style: chr17-31201042-G-A. GRCh37 (hg19) VCF-style: chr17-29528060-G-A.
Other names: c.1068G>A, p.Leu356= (NM_000267.4, NM_001128147.3).
Identifiers: ClinVar variation 484016 (VCV000484016.14), dbSNP rs1259636575, ClinGen allele CA499219346.
Genomic context (GRCh38, chr17:31,201,042, plus strand): 5'-AAGAAATACTGCATGGGTATTTAAAGGCTTTTGTTTTCTGTTGGGGTTTTTATAGAACCT[G>A]CTTTTTAATCCAAGTAAGCCATTCTCAAGAGGCAGTCAGCCTGCAGATGTGGATCTAATG-3'
Protein context (NP_001035957.1, residues 346-366): VQSMVVDLKN[Leu356=]LFNPSKPFSR

ClinVar aggregate classification (germline): Benign/Likely benign. Review status: criteria provided, multiple submitters, no conflicts (2 of 4 stars). 4 submissions from 4 submitters: Benign (1); Likely benign (3). Last evaluated 2026-05-15.

Conditions:
Neurofibromatosis, type 1 (NF1). Also called: Peripheral type neurofibromatosis; Neurofibromatosis, type I; VON RECKLINGHAUSEN DISEASE; NEUROFIBROMATOSIS, TYPE I, SOMATIC. Identifiers: Orphanet 636, MedGen C0027831, MONDO:0018975, OMIM 162200. Disease mechanism: loss of function.
Hereditary cancer-predisposing syndrome. Also called: Hereditary neoplastic syndrome; Neoplastic Syndromes, Hereditary; Hereditary Cancer Syndrome; Tumor predisposition. Identifiers: Orphanet 140162, MedGen C0027672, MeSH D009386, MONDO:0015356.

Allele frequency attached by ClinVar (database versions not stated): gnomAD exomes below 0.00001.
gnomAD v4.1: 2 of 1,613,556 alleles (0.00012%); highest among the groups gnomAD compares: South Asian, 0.0011%; no homozygotes.

Submissions (4):

Myriad Genetics, Inc.
Classification: Benign for Neurofibromatosis, type 1. Last evaluated: 2026-05-15. Review status: criteria provided, single submitter. Criteria: Myriad Autosomal Dominant, Autosomal Recessive and X-Linked Classification Criteria (2023). Collection method: clinical testing. Allele origin: unknown.
Comment: This variant is considered benign. This variant is a silent/synonymous amino acid change and it is not expected to impact splicing.

Labcorp Genetics (formerly Invitae), Labcorp
Classification: Likely benign for Neurofibromatosis, type 1. Last evaluated: 2025-09-16. Review status: criteria provided, single submitter. Criteria: Invitae Variant Classification Sherloc (09022015). Collection method: clinical testing. Allele origin: germline.

Genome-Nilou Lab
Classification: Likely benign for Neurofibromatosis, type 1. Last evaluated: 2022-03-15. Review status: criteria provided, single submitter. Criteria: ACMG Guidelines, 2015. Collection method: clinical testing. Allele origin: germline. Affected: no.

Ambry Genetics
Classification: Likely benign for Hereditary cancer-predisposing syndrome. Last evaluated: 2016-01-25. Review status: criteria provided, single submitter. Criteria: Ambry Autosomal Dominant and X-Linked criteria (10/2015). Collection method: clinical testing. Allele origin: germline. Observed: 1 variant allele.
Comment: Synonymous alterations with insufficient evidence to classify as benign